The following is an entry in ClinVar:

NM_001197104.2(KMT2A):c.9353T>C (p.Met3118Thr)

Gene: KMT2A (lysine methyltransferase 2A; plus strand). Cytogenetic location: 11q23.3.
Variant type: single nucleotide variant.
Coding change: c.9353T>C on transcript NM_001197104.2 (MANE Select); coding-DNA position 9353, T replaced by C.
Protein change: p.Met3118Thr; replaces methionine 3118 with threonine.
Molecular consequence: missense variant.
Genome position (GRCh38, 1-based): chr11:118,505,245, T>C. VCF-style: chr11-118505245-T-C. GRCh37 (hg19) VCF-style: chr11-118375960-T-C.
Other names: c.9443T>C, p.Met3148Thr (NM_001412597.1); c.9344T>C, p.Met3115Thr (NM_005933.4); short protein forms M3115T, M3148T, M3118T.
Identifiers: ClinVar variation 2856911 (VCV002856911.3), dbSNP rs1396839628, ClinGen allele CA382820059.

ClinVar aggregate classification (germline): Uncertain significance (1 of 4 stars; one submission).

Allele frequency attached by ClinVar (database versions not stated): TOPMed below 0.00001; gnomAD 0.00001.
gnomAD v4.1: 3 of 1,614,076 alleles (0.00019%); highest among the groups gnomAD compares: Non-Finnish European, 0.00025%; no homozygotes.

Submission:

Labcorp Genetics (formerly Invitae), Labcorp
Classification: Uncertain significance. Last evaluated: 2025-05-09. Review status: criteria provided, single submitter. Criteria: Invitae Variant Classification Sherloc (09022015). Collection method: clinical testing. Allele origin: germline.
Comment: This sequence change replaces methionine, which is neutral and non-polar, with threonine, which is neutral and polar, at codon 3118 of the KMT2A protein (p.Met3118Thr). This variant is not present in population databases (gnomAD no frequency). This variant has not been reported in the literature in individuals affected with KMT2A-related conditions. ClinVar contains an entry for this variant (Variation ID: 2856911). Invitae Evidence Modeling of protein sequence and biophysical properties (such as structural, functional, and spatial information, amino acid conservation, physicochemical variation, residue mobility, and thermodynamic stability) indicates that this missense variant is not expected to disrupt KMT2A protein function with a negative predictive value of 95%. In summary, the available evidence is currently insufficient to determine the role of this variant in disease. Therefore, it has been classified as a Variant of Uncertain Significance.